The following is an entry in ClinVar:

NM_001009944.3(PKD1):c.1364T>C (p.Phe455Ser)

Gene: PKD1 (polycystin 1, transient receptor potential channel interacting; minus strand). Cytogenetic location: 16p13.3.
Variant type: single nucleotide variant.
Coding change: c.1364T>C on transcript NM_001009944.3 (MANE Select); coding-DNA position 1364, T replaced by C.
Protein change: p.Phe455Ser; replaces phenylalanine 455 with serine.
Molecular consequence: missense variant.
Genome position (GRCh38, 1-based): chr16:2,117,510, A>G on the plus strand (T>C on the coding strand, the complement: PKD1 is on the minus strand). VCF-style: chr16-2117510-A-G. GRCh37 (hg19) VCF-style: chr16-2167511-A-G.
Other names: c.1364T>C, p.Phe455Ser (NM_000296.4); short protein forms F455S.
Identifiers: ClinVar variation 2634447 (VCV002634447.3), dbSNP rs2544875788, ClinGen allele CA394392405.
Genomic context (GRCh38, chr16:2,117,510, plus strand): 5'-CTCCCAACCTATGGCCCCTCGGGGGGTGGGGGCAGGCACCTGGTGACCCGGGAGACCAGG[A>G]AGCGCTGCACGGCGGGACTGTCCACCATTGCCAGGGCGGCCCCGGCCCAGGCCTGACACT-3'
Protein context (NP_001009944.3, residues 445-465): AMVDSPAVQR[Phe455Ser]LVSRVTRSLD

ClinVar aggregate classification (germline): Uncertain significance. Review status: criteria provided, multiple submitters, no conflicts (2 of 4 stars). 2 submissions from 2 submitters: Uncertain significance (2). Last evaluated 2023-10-04.

Conditions:
PKD1-related disorder. Also called: PKD1-related condition.
Polycystic kidney disease, adult type (PKD1). Also called: POLYCYSTIC KIDNEY DISEASE 1 WITH OR WITHOUT POLYCYSTIC LIVER DISEASE; Polycystic Kidney Disease 1, Autosomal Dominant; Polycystic kidney disease 1; Polycystic kidney disease 1, severe; Polycystic Kidney, Autosomal Dominant; POLYCYSTIC KIDNEY DISEASE, ADULT, TYPE I. Identifiers: MedGen C3149841, MONDO:0008263, OMIM 173900.

Submissions (2):

PreventionGenetics, part of Exact Sciences
Classification: Uncertain significance for PKD1-related condition. Last evaluated: 2023-10-04. Review status: criteria provided, single submitter. Criteria: ACMG Guidelines, 2015. Collection method: clinical testing. Allele origin: germline.
Comment: The PKD1 c.1364T>C variant is predicted to result in the amino acid substitution p.Phe455Ser. This variant was reported in an individual with polycystic kidney disease (Yu et al. 2022. PubMed ID: 35778421, supplementary table 1). This variant has not been reported in a large population database, indicating this variant is rare. Although we suspect that this variant may be pathogenic, at this time, the clinical significance of this variant is uncertain due to the absence of conclusive functional and genetic evidence.

Neuberg Centre For Genomic Medicine, NCGM
Classification: Uncertain significance for Polycystic kidney disease, adult type. Last evaluated: 2023-06-22. Review status: criteria provided, single submitter. Criteria: ACMG Guidelines, 2015. Collection method: clinical testing. Allele origin: germline. Inheritance: Autosomal dominant inheritance. Affected: yes.
Comment: The observed missense c.1364T>Cp.Phe455Ser variant in PKD1 gene has not been reported previously as a pathogenic variant nor as a benign variant, to our knowledge. This variant is absent in gnomAD Exomes. The amino acid Phe at position 455 is changed to a Ser changing protein sequence and it might alter its composition and physico-chemical properties. The amino acid change p.Phe455Ser in PKD1 is predicted as conserved by GERP++ and PhyloP across 100 vertebrates. Multiple lines of computational evidence Polyphen - Possibly Damaging, SIFT - Damaging, and MutationTaster - Disease causing predict a damaging effect on protein structure and function for this variant. For these reasons, this variant has been classified as Uncertain Significance.